The following is an entry in ClinVar:

ClinVar aggregate classification (germline): Likely pathogenic (1 of 4 stars; one submission).

Submission:

GeneDx
Classification: Likely pathogenic. Last evaluated: 2025-08-16. Review status: criteria provided, single submitter. Criteria: GeneDx Variant Classification Process June 2021. Collection method: clinical testing. Allele origin: germline. Affected: yes.
Comment: Canonical splice site variant predicted to result in a null allele in a gene for which loss of function is a known mechanism of disease; Not observed at significant frequency in large population cohorts (gnomAD); Has not been previously published as pathogenic or benign to our knowledge

NM_001792.5(CDH2):c.172+2T>C

Gene: CDH2 (cadherin 2; minus strand). Cytogenetic location: 18q12.1.
Variant type: single nucleotide variant.
Coding change: c.172+2T>C on transcript NM_001792.5 (MANE Select); the canonical splice donor site of the intron after coding-DNA position 172, T replaced by C.
Molecular consequence: splice donor variant.
Genome position (GRCh38, 1-based): chr18:28,147,671, A>G on the plus strand (T>C on the coding strand, the complement: CDH2 is on the minus strand). VCF-style: chr18-28147671-A-G. GRCh37 (hg19) VCF-style: chr18-25727635-A-G.
Identifiers: ClinVar variation 2446624 (VCV002446624.3), dbSNP rs2510778223, ClinGen allele CA402244368.